The following is an entry in ClinVar:

ClinVar aggregate classification (germline): Uncertain significance (1 of 4 stars; one submission).

Submission:

Women's Health and Genetics/Laboratory Corporation of America, LabCorp
Classification: Uncertain significance. Last evaluated: 2024-01-02. Review status: criteria provided, single submitter. Criteria: LabCorp Variant Classification Summary - May 2015. Collection method: clinical testing. Allele origin: germline.
Comment: Variant summary: EPRS1 c.3586G>T (p.Val1196Leu) results in a conservative amino acid change located in the Aminoacyl-tRNA synthetase, class II domain (IPR006195) of the encoded protein sequence. Three of five in-silico tools predict a damaging effect of the variant on protein function. The variant was absent in 250742 control chromosomes (gnomAD). The available data on variant occurrences in the general population are insufficient to allow any conclusion about variant significance. To our knowledge, no occurrence of c.3586G>T in individuals affected with Leukodystrophy, Hypomyelinating, 15 and no experimental evidence demonstrating its impact on protein function have been reported. No submitters have reported clinical-significance assessments for this variant to ClinVar after 2014. Based on the evidence outlined above, the variant was classified as uncertain significance.

NM_004446.3(EPRS1):c.3586G>T (p.Val1196Leu)

Gene: EPRS1 (glutamyl-prolyl-tRNA synthetase 1; minus strand). Cytogenetic location: 1q41.
Variant type: single nucleotide variant.
Coding change: c.3586G>T on transcript NM_004446.3 (MANE Select); coding-DNA position 3586, G replaced by T.
Protein change: p.Val1196Leu; replaces valine 1196 with leucine.
Molecular consequence: missense variant.
Genome position (GRCh38, 1-based): chr1:219,980,210, C>A on the plus strand (G>T on the coding strand, the complement: EPRS1 is on the minus strand). VCF-style: chr1-219980210-C-A. GRCh37 (hg19) VCF-style: chr1-220153552-C-A.
Other names: short protein forms V1196L.
Identifiers: ClinVar variation 3063913 (VCV003063913.1), dbSNP rs2527962687, ClinGen allele CA344634944.
Genomic context (GRCh38, chr1:219,980,210, plus strand): 5'-ATTTTTCCTTTTCCGTCTTTCTTCCTTTAACAACAGGAATTGCCAGGAGTTCTTCATATA[C>A]CTGAGCATATAAGTCAAGTATCTGCAAGACCTGTAACATTTTAAATGTAAATGTGTTCAA-3'
Protein context (NP_004437.2, residues 1186-1206): VLQILDLYAQ[Val1196Leu]YEELLAIPVV